The following is an entry in ClinVar:

NM_015622.6(CCZ1):c.1035C>T (p.Ile345=)

Gene: CCZ1 (CCZ1 vacuolar protein trafficking and biogenesis associated; plus strand). Cytogenetic location: 7p22.1.
Variant type: single nucleotide variant.
Coding change: c.1035C>T on transcript NM_015622.6 (MANE Select); coding-DNA position 1035, C replaced by T.
Protein change: p.Ile345=; no amino-acid change (isoleucine 345 retained).
Molecular consequence: synonymous variant.
Genome position (GRCh38, 1-based): chr7:5,919,895, C>T. VCF-style: chr7-5919895-C-T. GRCh37 (hg19) VCF-style: chr7-5959526-C-T.
Identifiers: ClinVar variation 2657293 (VCV002657293.24), dbSNP rs139249929, ClinGen allele CA4149357.

ClinVar aggregate classification (germline): Likely benign (1 of 4 stars; one submission).

Allele frequency attached by ClinVar (database versions not stated): ExAC 0.00056; gnomAD 0.00066; ESP Exome Variant Server 0.00077; 1000 Genomes Project 0.00080; 1000 Genomes Project 30x 0.00094; gnomAD exomes 0.00096.
gnomAD v4.1: 1,499 of 1,604,846 alleles (0.093%); highest among the groups gnomAD compares: Middle Eastern, 0.23%; 6 homozygotes.

Submission:

CeGaT Center for Human Genetics Tuebingen
Classification: Likely benign. Last evaluated: 2023-02-01. Review status: criteria provided, single submitter. Criteria: CeGaT Center For Human Genetics Tuebingen Variant Classification Criteria Version 2. Collection method: clinical testing. Allele origin: germline. Affected: yes. Observed: 2 variant alleles.
Comment: CCZ1: BP4, BP7